The following is an entry in ClinVar:

ClinVar aggregate classification (germline): Uncertain significance (1 of 4 stars; one submission).

Submission:

GeneDx
Classification: Uncertain significance. Last evaluated: 2023-11-11. Review status: criteria provided, single submitter. Criteria: GeneDx Variant Classification Process June 2021. Collection method: clinical testing. Allele origin: germline. Affected: yes.
Comment: Not observed at significant frequency in large population cohorts (gnomAD); In silico analysis supports that this missense variant has a deleterious effect on protein structure/function; Has not been previously published as pathogenic or benign to our knowledge

NM_001018113.3(FANCB):c.1103C>G (p.Ser368Trp)

Gene: FANCB (FA complementation group B; minus strand). Cytogenetic location: Xp22.2.
Variant type: single nucleotide variant.
Coding change: c.1103C>G on transcript NM_001018113.3 (MANE Select); coding-DNA position 1103, C replaced by G.
Protein change: p.Ser368Trp; replaces serine 368 with tryptophan.
Molecular consequence: missense variant.
Genome position (GRCh38, 1-based): chrX:14,859,183, G>C on the plus strand (C>G on the coding strand, the complement: FANCB is on the minus strand). VCF-style: chrX-14859183-G-C. GRCh37 (hg19) VCF-style: chrX-14877305-G-C.
Other names: c.1103C>G, p.Ser368Trp (NM_001324162.2, NM_001410764.1, NM_152633.4); short protein forms S368W.
Identifiers: ClinVar variation 3363899 (VCV003363899.1).
Genomic context (GRCh38, chrX:14,859,183, plus strand): 5'-GCACTTAAATTTTCTAAAATGGTTCTTAAAATACCATATAATAAGTAAATAGAACTTACC[G>C]AATAGTTTATTTTTCCAAGATCCGTTATTTTAAATGAAGTCAGGCAGTCTGAGTTCAAGG-3'
Protein context (NP_001018123.1, residues 358-378): KITDLGKINY[Ser368Trp]SEPSDCNEDD